The following is an entry in ClinVar:

NM_021927.3(GUF1):c.88C>T (p.Pro30Ser)

Genes: GUF1 (GTP binding elongation factor GUF1; plus strand), LOC129992541 (ATAC-STARR-seq lymphoblastoid silent region 15397; plus strand). Cytogenetic location: 4p12.
Variant type: single nucleotide variant.
Coding change: c.88C>T on transcript NM_021927.3 (MANE Select); coding-DNA position 88, C replaced by T.
Protein change: p.Pro30Ser; replaces proline 30 with serine.
Molecular consequence: missense variant. On other transcripts: 5 prime UTR variant (2).
Genome position (GRCh38, 1-based): chr4:44,678,710, C>T. VCF-style: chr4-44678710-C-T. GRCh37 (hg19) VCF-style: chr4-44680727-C-T.
Other names: c.-881C>T (NM_001345867.2); c.88C>T, p.Pro30Ser (NM_001345868.2); c.-773C>T (NM_001345869.2); short protein forms P30S.
Identifiers: ClinVar variation 787533 (VCV000787533.40), dbSNP rs201569798, ClinGen allele CA2905178.

ClinVar aggregate classification (germline): Likely benign. Review status: criteria provided, multiple submitters, no conflicts (2 of 4 stars). 5 submissions from 5 submitters: Likely benign (4). 1 of the submissions does not count toward it. Last evaluated 2026-07-01.

Conditions:
GUF1-related disorder. Also called: GUF1-related condition.

Allele frequency attached by ClinVar (database versions not stated): 1000 Genomes Project 0.00040; 1000 Genomes Project 30x 0.00047; ESP Exome Variant Server 0.00184; gnomAD 0.00214 and 0.00216; TOPMed 0.00217.
gnomAD v4.1: 4,656 of 1,509,774 alleles (0.31%); highest among the groups gnomAD compares: Non-Finnish European, 0.38%; 13 homozygotes.

Submissions (5):

CeGaT Center for Human Genetics Tuebingen
Classification: Likely benign. Last evaluated: 2026-07-01. Review status: criteria provided, single submitter. Criteria: CeGaT Center For Human Genetics Tuebingen Variant Classification Criteria Version 2. Collection method: clinical testing. Allele origin: germline. Affected: yes. Observed: 11 variant alleles.
Comment: GUF1: BS2

Labcorp Genetics (formerly Invitae), Labcorp
Classification: Likely benign. Last evaluated: 2025-12-19. Review status: criteria provided, single submitter. Criteria: Invitae Variant Classification Sherloc (09022015). Collection method: clinical testing. Allele origin: germline.

Blueprint Genetics
Classification: Likely benign. Last evaluated: 2024-11-25. Review status: criteria provided, single submitter. Criteria: ACMG Guidelines, 2015. Collection method: clinical testing. Allele origin: germline.

Breakthrough Genomics
Classification: Likely benign. Review status: criteria provided, single submitter. Criteria: ACMG Guidelines, 2015. Collection method: not provided. Allele origin: germline. Inheritance: Autosomal recessive inheritance. Affected: yes.

PreventionGenetics, part of Exact Sciences
Classification: Likely benign for GUF1-related condition. Last evaluated: 2019-12-10. Review status: no assertion criteria provided. Collection method: clinical testing. Allele origin: germline. Not counted in ClinVar's aggregate classification.
Comment: This variant is classified as likely benign based on ACMG/AMP sequence variant interpretation guidelines (Richards et al. 2015 PMID: 25741868, with internal and published modifications).